The following is an entry in ClinVar:

NM_001754.5(RUNX1):c.-132G>C

Gene: RUNX1 (RUNX family transcription factor 1; minus strand). Cytogenetic location: 21q22.12.
Variant type: single nucleotide variant.
Coding change: c.-132G>C on transcript NM_001754.5 (MANE Select); 132 bases upstream of the start codon, G replaced by C.
Molecular consequence: 5 prime UTR variant.
Genome position (GRCh38, 1-based): chr21:35,049,240, C>G on the plus strand (G>C on the coding strand, the complement: RUNX1 is on the minus strand). VCF-style: chr21-35049240-C-G. GRCh37 (hg19) VCF-style: chr21-36421537-C-G.
Identifiers: ClinVar variation 339882 (VCV000339882.6), dbSNP rs758735909, ClinGen allele CA10650447.

ClinVar aggregate classification (germline): Uncertain significance. Review status: reviewed by expert panel (3 of 4 stars). 2 submissions from 2 submitters: Uncertain significance (1). 1 of the submissions does not count toward it. Last evaluated 2024-11-13.

Conditions:
Hereditary thrombocytopenia and hematologic cancer predisposition syndrome. Identifiers: Orphanet 71290, MedGen CN281654, MONDO:0011071.
Hereditary thrombocytopenia and hematological cancer predisposition syndrome associated with RUNX1. Also called: PLATELET DISORDER, ASPIRIN-LIKE; RUNX1 Familial Platelet Disorder with Associated Myeloid Malignancies; Familial Platelet Disorder with Propensity to Acute Myelogenous Leukemia; Familial thrombocytopenia with propensity to acute myelogenous leukemia. Identifiers: Orphanet 71290, MedGen C1832388, MeSH C563324, MONDO:0100083, OMIM 601399.

Allele frequency attached by ClinVar (database versions not stated): gnomAD 0.00004 and 0.00005; TOPMed 0.00007; gnomAD exomes 0.00008.
gnomAD v4.1: 22 of 302,300 alleles (0.0073%); highest among the groups gnomAD compares: Middle Eastern, 0.21%; no homozygotes.

Submissions (2):

ClinGen Myeloid Malignancy Variant Curation Expert Panel
Classification: Uncertain significance for Hereditary thrombocytopenia and hematologic cancer predisposition syndrome. Last evaluated: 2024-11-13. Review status: reviewed by expert panel. Criteria: ClinGen MyeloMalig ACMG Specifications v2. Collection method: curation. Allele origin: germline. Inheritance: Autosomal dominant inheritance.
Comment: NM_001754.5(RUNX1):c.-132G>C is a UTR variant which does not meet any ACMG/AMP criteria. In summary, the clinical significance of this variant is uncertain. ACMG/AMP criteria applied, as specified by the Myeloid Malignancy Variant Curation Expert Panel for RUNX1: None.

Illumina Laboratory Services, Illumina
Classification: Uncertain significance for Hereditary thrombocytopenia and hematological cancer predisposition syndrome associated with RUNX1. Last evaluated: 2018-01-12. Review status: criteria provided, single submitter. Criteria: ICSL Variant Classification Criteria 13 December 2019. Collection method: clinical testing. Allele origin: germline. Not counted in ClinVar's aggregate classification.